The following is an entry in ClinVar:

ClinVar aggregate classification (germline): Uncertain significance (1 of 4 stars; one submission).

Conditions:
Epidermolysis bullosa simplex 5C, with pyloric atresia (EBS5C). Also called: PLEC-Related Epidermolysis Bullosa with Pyloric Atresia; Epidermolysis bullosa simplex with pyloric atresia; PLEC1-Related Epidermolysis Bullosa with Pyloric Atresia. Identifiers: Orphanet 158684, MedGen C2677349, MONDO:0012807, OMIM 612138.
Epidermolysis bullosa simplex 5B, with muscular dystrophy (EBS5B). Also called: Epidermolysis bullosa simplex with muscular dystrophy; EPIDERMOLYSIS BULLOSA SIMPLEX AND LIMB-GIRDLE MUSCULAR DYSTROPHY. Identifiers: Orphanet 257, MedGen C2931072, MONDO:0009181, OMIM 226670.
Epidermolysis bullosa simplex, Ogna type (EBS5A). Also called: Pidermolysis bullosa simplex 5A, Ogna type; EPIDERMOLYSIS BULLOSA SIMPLEX 5A, OGNA TYPE. Identifiers: Orphanet 79401, MedGen C0432317, MONDO:0007555, OMIM 131950.
Autosomal recessive limb-girdle muscular dystrophy type 2Q (LGMDR17). Also called: MUSCULAR DYSTROPHY, LIMB-GIRDLE, AUTOSOMAL RECESSIVE 17. Identifiers: Orphanet 254361, MedGen C3150989, MONDO:0013390, OMIM 613723.
Epidermolysis bullosa simplex with nail dystrophy (EBS5D). Identifiers: MedGen C4225309, MONDO:0014661, OMIM 616487.

Allele frequency attached by ClinVar (database versions not stated): gnomAD exomes below 0.00001.
gnomAD v4.1: 1 of 1,613,200 alleles (0.000062%); highest among the groups gnomAD compares: Admixed American, 0.0017%; no homozygotes.

Submission:

Labcorp Genetics (formerly Invitae), Labcorp
Classification: Uncertain significance for Autosomal recessive limb-girdle muscular dystrophy type 2Q; Epidermolysis bullosa simplex, Ogna type; Epidermolysis bullosa simplex with nail dystrophy; Epidermolysis bullosa simplex 5C, with pyloric atresia; Epidermolysis bullosa simplex 5B, with muscular dystrophy. Last evaluated: 2022-02-19. Review status: criteria provided, single submitter. Criteria: Invitae Variant Classification Sherloc (09022015). Collection method: clinical testing. Allele origin: germline.
Comment: In summary, the available evidence is currently insufficient to determine the role of this variant in disease. Therefore, it has been classified as a Variant of Uncertain Significance. Algorithms developed to predict the effect of missense changes on protein structure and function are either unavailable or do not agree on the potential impact of this missense change (SIFT: "Deleterious"; PolyPhen-2: "Probably Damaging"; Align-GVGD: "Class C0"). This variant has not been reported in the literature in individuals affected with PLEC-related conditions. This variant is present in population databases (no rsID available, gnomAD 0.003%). This sequence change replaces leucine, which is neutral and non-polar, with methionine, which is neutral and non-polar, at codon 3298 of the PLEC protein (p.Leu3298Met).

NM_201384.3(PLEC):c.9811T>A (p.Leu3271Met)

Gene: PLEC (plectin; minus strand). Cytogenetic location: 8q24.3.
Variant type: single nucleotide variant.
Coding change: c.9811T>A on transcript NM_201384.3 (MANE Select); coding-DNA position 9811, T replaced by A.
Protein change: p.Leu3271Met; replaces leucine 3271 with methionine.
Molecular consequence: missense variant.
Genome position (GRCh38, 1-based): chr8:143,920,010, A>T on the plus strand (T>A on the coding strand, the complement: PLEC is on the minus strand). VCF-style: chr8-143920010-A-T. GRCh37 (hg19) VCF-style: chr8-144994178-A-T.
Other names: c.9892T>A, p.Leu3298Met (NM_000445.5); c.6511T>A, p.Leu2171Met (NM_001410941.1); c.9769T>A, p.Leu3257Met (NM_201378.4); c.9745T>A, p.Leu3249Met (NM_201379.3); c.10222T>A, p.Leu3408Met (NM_201380.4); c.9715T>A, p.Leu3239Met (NM_201381.3); c.9811T>A, p.Leu3271Met (NM_201382.4); c.9823T>A, p.Leu3275Met (NM_201383.3); short protein forms L2171M, L3271M, L3298M, L3257M, L3249M, L3239M, L3275M, L3408M.
Identifiers: ClinVar variation 2095162 (VCV002095162.4), dbSNP rs1554680201, ClinGen allele CA372506561.